The following is an entry in ClinVar:

ClinVar aggregate classification (germline): Pathogenic (1 of 4 stars; one submission).

Conditions:
Methylmalonic aciduria and homocystinuria type cblF. Also called: COBALAMIN F DISEASE; COBALAMIN, DEFECT IN LYSOSOMAL RELEASE OF; METHYLMALONIC ACIDEMIA AND HOMOCYSTINURIA, cblF TYPE; METHYLMALONIC ACIDURIA DUE TO VITAMIN B12-RELEASE DEFECT; VITAMIN B12 LYSOSOMAL RELEASE DEFECT; VITAMIN B12 STORAGE DISEASE. Identifiers: Orphanet 79284, MedGen C1848578, MONDO:0010183, OMIM 277380.

Submission:

Labcorp Genetics (formerly Invitae), Labcorp
Classification: Pathogenic for Methylmalonic aciduria and homocystinuria type cblF. Last evaluated: 2023-09-19. Review status: criteria provided, single submitter. Criteria: Invitae Variant Classification Sherloc (09022015). Collection method: clinical testing. Allele origin: germline.
Comment: For these reasons, this variant has been classified as Pathogenic. This variant has not been reported in the literature in individuals affected with LMBRD1-related conditions. This variant is not present in population databases (gnomAD no frequency). This sequence change creates a premature translational stop signal (p.Gln77*) in the LMBRD1 gene. It is expected to result in an absent or disrupted protein product. Loss-of-function variants in LMBRD1 are known to be pathogenic (PMID: 19136951, 21303734).

Literature cited by the submitters: PubMed 19136951; PubMed 21303734.

NM_018368.4(LMBRD1):c.229C>T (p.Gln77Ter)

Gene: LMBRD1 (LMBR1 domain containing 1; minus strand). Cytogenetic location: 6q13.
Variant type: single nucleotide variant.
Coding change: c.229C>T on transcript NM_018368.4 (MANE Select); coding-DNA position 229, C replaced by T.
Protein change: p.Gln77Ter; replaces glutamine 77 with a stop codon.
Molecular consequence: nonsense.
Genome position (GRCh38, 1-based): chr6:69,790,313, G>A on the plus strand (C>T on the coding strand, the complement: LMBRD1 is on the minus strand). VCF-style: chr6-69790313-G-A. GRCh37 (hg19) VCF-style: chr6-70500205-G-A.
Other names: c.10C>T, p.Gln4Ter (NM_001363722.2, NM_001367271.1, NM_001367272.1); short protein forms Q4*, Q77*.
Identifiers: ClinVar variation 2761830 (VCV002761830.3), dbSNP rs2481485775, ClinGen allele CA364803457.
Genomic context (GRCh38, chr6:69,790,313, plus strand): 5'-AATTTGAAAGGAAAAAAAATCTGCAAAGTAAGATTATATTTACCTTAAATGTACCATTTT[G>A]ATTTTTCATGTAAGAAACCAAAAATATATCCACTGGTAGAAGTGCTGATGTGATAAGTGC-3'